The following is an entry in ClinVar:

NM_007254.4(PNKP):c.47dup (p.Gly17fs)

Gene: PNKP (polynucleotide kinase 3'-phosphatase; minus strand). Cytogenetic location: 19q13.33.
Variant type: Duplication.
Coding change: c.47dup on transcript NM_007254.4 (MANE Select); coding-DNA position 47, one base duplicated (C; older notation c.47dupC).
Protein change: p.Gly17fs; shifts the reading frame from glycine 17.
Molecular consequence: frameshift variant.
Genome position (GRCh38, 1-based): chr19:49,867,158, G duplicated on the plus strand (C on the coding strand, the reverse complement: PNKP is on the minus strand); the first of 6 consecutive G bases (chr19:49,867,158-49,867,163); duplicating any one gives the same sequence. VCF-style (leftmost placement, unchanged base first): chr19-49867157-A-AG. GRCh37 (hg19) VCF-style: chr19-50370414-A-AG.
Other names: short protein forms G17fs.
Identifiers: ClinVar variation 4880647 (VCV004880647.2).

ClinVar aggregate classification (germline): Likely pathogenic (1 of 4 stars; one submission).

Submission:

Dasa
Classification: Likely pathogenic. Last evaluated: 2024-12-19. Review status: criteria provided, single submitter. Criteria: DASA Assertion Criteria. Collection method: clinical testing. Allele origin: germline.
Comment: NM_007254.4(PNKP):c.47dup (p.Gly17Trpfs*42) is a frameshift variant in PNKP predicted to alter the reading frame and introduce a premature termination codon and is predicted to result in an absent or altered protein product. Loss of function is an established disease mechanism for PNKP-associated disorders. Also, this variant is rare in population databases. Based on the currently available evidence, this variant is classified as likely pathogenic.